The following is an entry in ClinVar:

ClinVar aggregate classification (germline): Benign/Likely benign. Review status: criteria provided, multiple submitters, no conflicts (2 of 4 stars). 11 submissions from 11 submitters: Benign (1); Likely benign (9). 1 of the submissions does not count toward it. Last evaluated 2026-01-31.

Conditions:
Polymerase proofreading-related adenomatous polyposis. Also called: Polymerase proofreading associated polyposis; Polymerase proofreading–associated polyposis (PPAP). Identifiers: Orphanet 447877, MedGen C5202613, MONDO:0018653.
POLE-related disorder. Also called: POLE-related condition; POLE-related disorders.
Hereditary cancer-predisposing syndrome. Also called: Tumor predisposition; Hereditary Cancer Syndrome; Neoplastic Syndromes, Hereditary; Hereditary neoplastic syndrome. Identifiers: Orphanet 140162, MedGen C0027672, MeSH D009386, MONDO:0015356.

Allele frequency attached by ClinVar (database versions not stated): gnomAD 0.00008 and 0.00009; TOPMed 0.00014; ESP Exome Variant Server 0.00023.
gnomAD v4.1: 370 of 1,614,072 alleles (0.023%); highest among the groups gnomAD compares: Non-Finnish European, 0.031%; no homozygotes.

Submissions (11):

Labcorp Genetics (formerly Invitae), Labcorp
Classification: Likely benign. Last evaluated: 2026-01-31. Review status: criteria provided, single submitter. Criteria: Invitae Variant Classification Sherloc (09022015). Collection method: clinical testing. Allele origin: germline.

Center for Genomic Medicine, Rigshospitalet, Copenhagen University Hospital
Classification: Likely benign. Last evaluated: 2025-03-04. Review status: criteria provided, single submitter. Criteria: ACMG Guidelines, 2015. Collection method: clinical testing. Allele origin: germline.

Laboratory of Genetics, Children's Clinical University Hospital Latvia
Classification: Likely benign. Last evaluated: 2025-02-16. Review status: criteria provided, single submitter. Criteria: ACMG Guidelines, 2015. Collection method: clinical testing. Allele origin: germline. Affected: yes.

Blueprint Genetics
Classification: Likely benign. Last evaluated: 2024-09-10. Review status: criteria provided, single submitter. Criteria: ACMG Guidelines, 2015. Collection method: clinical testing. Allele origin: germline.

Department of Pathology and Laboratory Medicine, Sinai Health System
Classification: Likely benign for Polymerase proofreading-related adenomatous polyposis. Last evaluated: 2022-03-04. Review status: criteria provided, single submitter. Criteria: ACMG Guidelines, 2015. Collection method: clinical testing. Allele origin: germline. Affected: yes.

Women's Health and Genetics/Laboratory Corporation of America, LabCorp
Classification: Benign. Last evaluated: 2021-06-13. Review status: criteria provided, single submitter. Criteria: LabCorp Variant Classification Summary - May 2015. Collection method: clinical testing. Allele origin: germline.

GeneDx
Classification: Likely benign. Last evaluated: 2021-02-23. Review status: criteria provided, single submitter. Criteria: GeneDx Variant Classification Process June 2021. Collection method: clinical testing. Allele origin: germline. Affected: yes.

CeGaT Center for Human Genetics Tuebingen
Classification: Likely benign. Last evaluated: 2020-09-01. Review status: criteria provided, single submitter. Criteria: CeGaT Center For Human Genetics Tuebingen Variant Classification Criteria Version 2. Collection method: clinical testing. Allele origin: germline. Affected: yes. Observed: 1 variant allele.

Quest Diagnostics Nichols Institute San Juan Capistrano
Classification: Likely benign. Last evaluated: 2018-05-04. Review status: criteria provided, single submitter. Criteria: Quest Diagnostics criteria. Collection method: clinical testing. Allele origin: unknown.

Ambry Genetics
Classification: Likely benign for Hereditary cancer-predisposing syndrome. Last evaluated: 2015-06-25. Review status: criteria provided, single submitter. Criteria: Ambry Variant Classification Scheme 2023. Collection method: clinical testing. Allele origin: germline.

PreventionGenetics, part of Exact Sciences
Classification: Likely benign for POLE-related condition. Last evaluated: 2019-08-06. Review status: no assertion criteria provided. Collection method: clinical testing. Allele origin: germline. Not counted in ClinVar's aggregate classification.
Comment: This variant is classified as likely benign based on ACMG/AMP sequence variant interpretation guidelines (Richards et al. 2015 PMID: 25741868, with internal and published modifications).

NM_006231.4(POLE):c.1905C>T (p.Ile635=)

Gene: POLE (DNA polymerase epsilon, catalytic subunit; minus strand). Cytogenetic location: 12q24.33.
Variant type: single nucleotide variant.
Coding change: c.1905C>T on transcript NM_006231.4 (MANE Select); coding-DNA position 1905, C replaced by T.
Protein change: p.Ile635=; no amino-acid change (isoleucine 635 retained).
Molecular consequence: synonymous variant.
Genome position (GRCh38, 1-based): chr12:132,668,829, G>A on the plus strand (C>T on the coding strand, the complement: POLE is on the minus strand). VCF-style: chr12-132668829-G-A. GRCh37 (hg19) VCF-style: chr12-133245415-G-A.
Identifiers: ClinVar variation 240411 (VCV000240411.70), dbSNP rs145203544, ClinGen allele CA6893780.